The following is an entry in ClinVar:

NM_003119.4(SPG7):c.1402C>G (p.Pro468Ala)

Gene: SPG7 (SPG7 matrix AAA peptidase subunit, paraplegin; plus strand). Cytogenetic location: 16q24.3.
Variant type: single nucleotide variant.
Coding change: c.1402C>G on transcript NM_003119.4 (MANE Select); coding-DNA position 1402, C replaced by G.
Protein change: p.Pro468Ala; replaces proline 468 with alanine.
Molecular consequence: missense variant.
Genome position (GRCh38, 1-based): chr16:89,544,725, C>G. VCF-style: chr16-89544725-C-G. GRCh37 (hg19) VCF-style: chr16-89611133-C-G.
Other names: c.1402C>G, p.Pro468Ala (NM_001363850.1); short protein forms P468A.
Identifiers: ClinVar variation 4852378 (VCV004852378.1).
Genomic context (GRCh38, chr16:89,544,725, plus strand): 5'-CATGTCATCGTCCTGGCGTCCACGAACCGAGCTGACATTTTGGACGGTGCTCTGATGAGG[C>G]CAGGCCGACTGGACCGGCACGTCTTCATTGATCTCCCCACGCTGCAGGTCAGAGCCAGGA-3'
Protein context (NP_003110.1, residues 458-478): ADILDGALMR[Pro468Ala]GRLDRHVFID

ClinVar aggregate classification (germline): Likely pathogenic (1 of 4 stars; one submission).

Conditions:
Hereditary spastic paraplegia 7 (SPG7). Also called: Spastic paraplegia 7; Hereditary spastic paraplegia Paraplegin type; Autosomal recessive spastic paraplegia type 7; SPASTIC PARAPLEGIA 7, AUTOSOMAL RECESSIVE, WITH OR WITHOUT CEREBELLAR ATAXIA; SPG7-related neurologic disorder. Identifiers: Orphanet 99013, MedGen C1846564, MONDO:0011803, OMIM 607259.

Submission:

MVZ Medizinische Genetik Mainz
Classification: Likely pathogenic for Hereditary spastic paraplegia 7. Last evaluated: 2026-04-15. Review status: criteria provided, single submitter. Criteria: UK Practice Guidelines For Variant Classification V4 01 2020. Collection method: clinical testing. Allele origin: germline. Inheritance: Autosomal recessive inheritance. Affected: yes. Observed: 1 variant allele.
Comment: ACMG Criteria: PM1,PP3_MOD,PM2_SUP,PM3_SUP